The following is an entry in ClinVar:

ClinVar aggregate classification (germline): Likely benign (1 of 4 stars; one submission).

Conditions:
NRP2-related disorder. Also called: NRP2-related condition.

gnomAD v4.1: 15 of 1,614,128 alleles (0.00093%); highest among the groups gnomAD compares: South Asian, 0.0066%; no homozygotes.

Submission:

PreventionGenetics, part of Exact Sciences
Classification: Likely benign for NRP2-related condition. Last evaluated: 2026-09-25. Review status: criteria provided, single submitter. Criteria: ACMG Guidelines, 2015. Collection method: clinical testing. Allele origin: germline.
Comment: This variant is classified as likely benign based on ACMG/AMP sequence variant interpretation guidelines (Richards et al. 2015 PMID: 25741868, with internal and published modifications).

NM_003872.3(NRP2):c.1830C>T (p.Ser610=)

Gene: NRP2 (neuropilin 2; plus strand). Cytogenetic location: 2q33.3.
Variant type: single nucleotide variant.
Coding change: c.1830C>T on transcript NM_003872.3 (MANE Select); coding-DNA position 1830, C replaced by T.
Protein change: p.Ser610=; no amino-acid change (serine 610 retained).
Molecular consequence: synonymous variant.
Genome position (GRCh38, 1-based): chr2:205,749,768, C>T. VCF-style: chr2-205749768-C-T. GRCh37 (hg19) VCF-style: chr2-206614492-C-T.
Other names: c.1830C>T, p.Ser610= (NM_018534.4, NM_201266.2, NM_201267.2 and 1 more transcripts).
Identifiers: ClinVar variation 4981369 (VCV004981369.1).
Genomic context (GRCh38, chr2:205,749,768, plus strand): 5'-CCTTTGCCCTTACACAGACTCCAAGCCCACGGTAGAGACGCTGGGACCCACTGTGAAGAG[C>T]GAAGAGACAACCACCCCCTACCCCACCGAAGAGGAGGCCACAGAGTGTGGGGAGAACTGC-3'
Protein context (NP_003863.2, residues 600-620): TVETLGPTVK[Ser610=]EETTTPYPTE